The following is an entry in ClinVar:

NM_000642.3(AGL):c.761T>A (p.Leu254His)

Gene: AGL (amylo-alpha-1,6-glucosidase and 4-alpha-glucanotransferase; plus strand). Cytogenetic location: 1p21.2.
Variant type: single nucleotide variant.
Coding change: c.761T>A on transcript NM_000642.3 (MANE Select); coding-DNA position 761, T replaced by A.
Protein change: p.Leu254His; replaces leucine 254 with histidine.
Molecular consequence: missense variant.
Genome position (GRCh38, 1-based): chr1:99,870,496, T>A. VCF-style: chr1-99870496-T-A. GRCh37 (hg19) VCF-style: chr1-100336052-T-A.
Other names: c.761T>A, p.Leu254His (NM_000028.3, NM_000643.3, NM_000644.3 and 3 more transcripts); c.713T>A, p.Leu238His (NM_000646.3); c.557T>A, p.Leu186His (NM_001425328.1, NM_001425329.1); c.383T>A, p.Leu128His (NM_001425332.1); short protein forms L128H, L186H, L238H, L254H.
Identifiers: ClinVar variation 4890824 (VCV004890824.1).

ClinVar aggregate classification (germline): Uncertain significance (1 of 4 stars; one submission).

Conditions:
Glycogen storage disease type III (GSD3). Also called: FORBES DISEASE; Cori disease. Identifiers: Orphanet 366, MedGen C0017922, MONDO:0009291, OMIM 232400.

Submission:

Helix
Classification: Uncertain significance for Glycogen storage disease type III. Last evaluated: 2025-11-17. Review status: criteria provided, single submitter. Criteria: ACMG Guidelines, 2015. Collection method: clinical testing. Allele origin: germline. Inheritance: Autosomal recessive inheritance.
Comment: This variant (NM_000642.3:c.761T>A p.Leu254His) results in the substitution of leucine with histidine at codon 254 in the AGL protein. It is a rare variant that is absent from the large gnomAD population database (v4.1). To our knowledge, this variant has not been reported in individuals affected with AGL-related conditions. In silico prediction from REVEL (PMID: 27666373) suggests that this variant may be deleterious. In conclusion, since the available evidence is limited, the clinical significance of this variant is unclear at this time. Therefore, it is classified as a Variant of Uncertain Significance.